The following is an entry in ClinVar:

ClinVar aggregate classification (germline): Likely benign. Review status: criteria provided, single submitter (1 of 4 stars). 2 submissions from 2 submitters: Likely benign (1). 1 of the submissions does not count toward it. Last evaluated 2022-07-19.

Conditions:
ZCCHC8-related disorder. Also called: ZCCHC8-related condition.

Allele frequency attached by ClinVar (database versions not stated): TOPMed below 0.00001.

Submissions (2):

Labcorp Genetics (formerly Invitae), Labcorp
Classification: Likely benign. Last evaluated: 2022-07-19. Review status: criteria provided, single submitter. Criteria: Invitae Variant Classification Sherloc (09022015). Collection method: clinical testing. Allele origin: germline.

PreventionGenetics, part of Exact Sciences
Classification: Likely benign for ZCCHC8-related condition. Last evaluated: 2020-06-22. Review status: no assertion criteria provided. Collection method: clinical testing. Allele origin: germline. Not counted in ClinVar's aggregate classification.
Comment: This variant is classified as likely benign based on ACMG/AMP sequence variant interpretation guidelines (Richards et al. 2015 PMID: 25741868, with internal and published modifications).

NM_017612.5(ZCCHC8):c.1974C>T (p.Ser658=)

Gene: ZCCHC8 (zinc finger CCHC-type containing 8; minus strand). Cytogenetic location: 12q24.31.
Variant type: single nucleotide variant.
Coding change: c.1974C>T on transcript NM_017612.5 (MANE Select); coding-DNA position 1974, C replaced by T.
Protein change: p.Ser658=; no amino-acid change (serine 658 retained).
Molecular consequence: synonymous variant.
Genome position (GRCh38, 1-based): chr12:122,473,647, G>A on the plus strand (C>T on the coding strand, the complement: ZCCHC8 is on the minus strand). VCF-style: chr12-122473647-G-A. GRCh37 (hg19) VCF-style: chr12-122958194-G-A.
Other names: c.1974C>T (NM_017612.4); c.1743C>T, p.Ser581= (NM_001350935.2); c.1677C>T, p.Ser559= (NM_001350936.2); c.1260C>T, p.Ser420= (NM_001350937.2, NM_001350938.2).
Identifiers: ClinVar variation 1651633 (VCV001651633.10), dbSNP rs180778509, ClinGen allele CA482203154.